The following is an entry in ClinVar:

ClinVar aggregate classification (germline): Conflicting classifications of pathogenicity. Review status: criteria provided, conflicting classifications (1 of 4 stars). 5 submissions from 5 submitters: Uncertain significance (1); Likely benign (3). 1 of the submissions does not count toward it. Last evaluated 2026-04-01.

Conditions:
ALDH4A1-related disorder. Also called: ALDH4A1-related condition.
Hyperprolinemia type 2 (HYRPRO2). Also called: Deficiency of pyrroline-5-carboxylate reductase; 1-PYRROLINE-5-CARBOXYLATE DEHYDROGENASE DEFICIENCY; Delta-1-pyrroline-5-carboxylate dehydrogenase deficiency. Identifiers: Orphanet 79101, MedGen C2931835, MONDO:0009401, OMIM 239510.

Allele frequency attached by ClinVar (database versions not stated): 1000 Genomes Project 30x 0.00219; 1000 Genomes Project 0.00220; gnomAD 0.00474 and 0.00516; ExAC 0.00475; gnomAD exomes 0.00489 and 0.00634; TOPMed 0.00492; ESP Exome Variant Server 0.00493.
gnomAD v4.1: 9,916 of 1,613,158 alleles (0.61%); highest among the groups gnomAD compares: Non-Finnish European, 0.73%; 30 homozygotes.

Submissions (5):

CeGaT Center for Human Genetics Tuebingen
Classification: Likely benign. Last evaluated: 2026-04-01. Review status: criteria provided, single submitter. Criteria: CeGaT Center For Human Genetics Tuebingen Variant Classification Criteria Version 2. Collection method: clinical testing. Allele origin: germline. Affected: yes. Observed: 8 variant alleles.
Comment: ALDH4A1: BP4, BS2

Labcorp Genetics (formerly Invitae), Labcorp
Classification: Likely benign for Hyperprolinemia type 2. Last evaluated: 2026-02-02. Review status: criteria provided, single submitter. Criteria: Invitae Variant Classification Sherloc (09022015). Collection method: clinical testing. Allele origin: germline.

Blueprint Genetics
Classification: Likely benign. Last evaluated: 2024-11-26. Review status: criteria provided, single submitter. Criteria: ACMG Guidelines, 2015. Collection method: clinical testing. Allele origin: germline.

Illumina Laboratory Services, Illumina
Classification: Uncertain significance for Hyperprolinemia type 2. Last evaluated: 2018-01-12. Review status: criteria provided, single submitter. Criteria: ICSL Variant Classification Criteria 13 December 2019. Collection method: clinical testing. Allele origin: germline.

PreventionGenetics, part of Exact Sciences
Classification: Benign for ALDH4A1-related condition. Last evaluated: 2019-08-15. Review status: no assertion criteria provided. Collection method: clinical testing. Allele origin: germline. Not counted in ClinVar's aggregate classification.
Comment: This variant is classified as benign based on ACMG/AMP sequence variant interpretation guidelines (Richards et al. 2015 PMID: 25741868, with internal and published modifications).

NM_003748.4(ALDH4A1):c.678+3G>A

Gene: ALDH4A1 (aldehyde dehydrogenase 4 family member A1; minus strand). Cytogenetic location: 1p36.13.
Variant type: single nucleotide variant.
Coding change: c.678+3G>A on transcript NM_003748.4 (MANE Select); 3 bases into the intron after coding-DNA position 678, G replaced by A.
Molecular consequence: intron variant.
Genome position (GRCh38, 1-based): chr1:18,883,121, C>T on the plus strand (G>A on the coding strand, the complement: ALDH4A1 is on the minus strand). VCF-style: chr1-18883121-C-T. GRCh37 (hg19) VCF-style: chr1-19209615-C-T.
Other names: c.678+3G>A (NM_001319218.2, NM_170726.3, NM_170726.2); c.498+3G>A (NM_001161504.2).
Identifiers: ClinVar variation 294384 (VCV000294384.58), dbSNP rs138788183, ClinGen allele CA647275.